The following is an entry in ClinVar:

NM_032380.5(GFM2):c.677T>C (p.Ile226Thr)

Gene: GFM2 (GTP dependent ribosome recycling factor mitochondrial 2; minus strand). Cytogenetic location: 5q13.3.
Variant type: single nucleotide variant.
Coding change: c.677T>C on transcript NM_032380.5 (MANE Select); coding-DNA position 677, T replaced by C.
Protein change: p.Ile226Thr; replaces isoleucine 226 with threonine.
Molecular consequence: missense variant. On other transcripts: non-coding transcript variant (1).
Genome position (GRCh38, 1-based): chr5:74,745,850, A>G on the plus strand (T>C on the coding strand, the complement: GFM2 is on the minus strand). VCF-style: chr5-74745850-A-G. GRCh37 (hg19) VCF-style: chr5-74041675-A-G.
Other names: c.773T>C, p.Ile258Thr (NM_001281302.2); c.677T>C, p.Ile226Thr (NM_170681.3, NM_170691.3); short protein forms I226T, I258T.
Identifiers: ClinVar variation 2810396 (VCV002810396.3), dbSNP rs565279528, ClinGen allele CA3306707.

ClinVar aggregate classification (germline): Uncertain significance (1 of 4 stars; one submission).

Allele frequency attached by ClinVar (database versions not stated): ExAC 0.00001; gnomAD 0.00001; 1000 Genomes Project 30x 0.00016; 1000 Genomes Project 0.00020.
gnomAD v4.1: 1 of 1,610,612 alleles (0.000062%); highest among the groups gnomAD compares: African/African-American, 0.0013%; no homozygotes.

Submission:

Labcorp Genetics (formerly Invitae), Labcorp
Classification: Uncertain significance. Last evaluated: 2023-11-21. Review status: criteria provided, single submitter. Criteria: Invitae Variant Classification Sherloc (09022015). Collection method: clinical testing. Allele origin: germline.
Comment: This sequence change replaces isoleucine, which is neutral and non-polar, with threonine, which is neutral and polar, at codon 226 of the GFM2 protein (p.Ile226Thr). This variant is present in population databases (rs565279528, gnomAD 0.007%). This variant has not been reported in the literature in individuals affected with GFM2-related conditions. Advanced modeling of protein sequence and biophysical properties (such as structural, functional, and spatial information, amino acid conservation, physicochemical variation, residue mobility, and thermodynamic stability) performed at Invitae indicates that this missense variant is not expected to disrupt GFM2 protein function with a negative predictive value of 80%. In summary, the available evidence is currently insufficient to determine the role of this variant in disease. Therefore, it has been classified as a Variant of Uncertain Significance.